The following is an entry in ClinVar:

ClinVar aggregate classification (germline): Likely benign (0 of 4 stars; one submission).

Conditions:
DMPK-related disorder. Also called: DMPK-related condition.

gnomAD v4.1: 8 of 1,418,810 alleles (0.00056%); highest among the groups gnomAD compares: Admixed American, 0.0095%; no homozygotes.

Submission:

PreventionGenetics, part of Exact Sciences
Classification: Likely benign for DMPK-related condition. Last evaluated: 2019-09-17. Review status: no assertion criteria provided. Collection method: clinical testing. Allele origin: germline.
Comment: This variant is classified as likely benign based on ACMG/AMP sequence variant interpretation guidelines (Richards et al. 2015 PMID: 25741868, with internal and published modifications).

NM_004409.5(DMPK):c.1737+9G>T

Genes: DM1-AS (DM1 locus antisense RNA; plus strand), DMPK (DM1 protein kinase; minus strand), LOC107075317 (origin of replication in DMPK trinucleotide repeat region; plus strand), LOC129929042 (ATAC-STARR-seq lymphoblastoid silent region 10797; plus strand). Cytogenetic location: 19q13.32.
Variant type: single nucleotide variant.
Coding change: c.1737+9G>T on transcript NM_004409.5 (MANE Select); 9 bases into the intron after coding-DNA position 1737, G replaced by T.
Molecular consequence: intron variant.
Genome position (GRCh38, 1-based): chr19:45,770,962, C>A on the plus strand (G>T on the coding strand, the complement: DMPK is on the minus strand). VCF-style: chr19-45770962-C-A. GRCh37 (hg19) VCF-style: chr19-46274220-C-A.
Other names: c.1292+9G>T (NM_001424166.1); c.1586-322G>T (NM_001288766.2); c.1633-322G>T (NM_001424169.1); c.1718+9G>T (NM_001081562.3); c.1722+9G>T (NM_001081560.3); c.1601-322G>T (NM_001424164.1); c.1690+9G>T (NM_001424168.1); c.1648-322G>T (NM_001424165.1); and 5 more.
Identifiers: ClinVar variation 3355433 (VCV003355433.1).
Genomic context (GRCh38, chr19:45,770,962, plus strand): 5'-AGCGGGTGGCAAGGGGCGGGTGGAGCGCGGGGCGCGACGGCGGAGGGGGGCGTGGGCAGC[C>A]GGACGTACCCTGGCAGGGAGCAGCAGGTGGCGGCGGTGCATGGGGCCTGGCCCCACCAGC-3'